The following is an entry in ClinVar:

ClinVar aggregate classification (germline): Uncertain significance (1 of 4 stars; one submission).

gnomAD v4.1: 36 of 1,552,316 alleles (0.0023%); highest among the groups gnomAD compares: South Asian, 0.023%; 1 homozygote.

Submission:

Labcorp Genetics (formerly Invitae), Labcorp
Classification: Uncertain significance. Last evaluated: 2023-08-04. Review status: criteria provided, single submitter. Criteria: Invitae Variant Classification Sherloc (09022015). Collection method: clinical testing. Allele origin: germline.
Comment: This sequence change falls in intron 19 of the DOCK6 gene. It does not directly change the encoded amino acid sequence of the DOCK6 protein. It affects a nucleotide within the consensus splice site. In summary, the available evidence is currently insufficient to determine the role of this variant in disease. Therefore, it has been classified as a Variant of Uncertain Significance. Variants that disrupt the consensus splice site are a relatively common cause of aberrant splicing (PMID: 17576681, 9536098). Algorithms developed to predict the effect of sequence changes on RNA splicing suggest that this variant is not likely to affect RNA splicing. ClinVar contains an entry for this variant (Variation ID: 2415148). This variant has not been reported in the literature in individuals affected with DOCK6-related conditions. The frequency data for this variant in the population databases is considered unreliable, as metrics indicate poor data quality at this position in the gnomAD database.

Literature cited by the submitters: PubMed 17576681; PubMed 9536098.

NM_020812.4(DOCK6):c.2160+4C>T

Gene: DOCK6 (dedicator of cytokinesis 6; minus strand). Cytogenetic location: 19p13.2.
Variant type: single nucleotide variant.
Coding change: c.2160+4C>T on transcript NM_020812.4 (MANE Select); 4 bases into the intron after coding-DNA position 2160, C replaced by T.
Molecular consequence: intron variant.
Genome position (GRCh38, 1-based): chr19:11,236,789, G>A on the plus strand (C>T on the coding strand, the complement: DOCK6 is on the minus strand). VCF-style: chr19-11236789-G-A. GRCh37 (hg19) VCF-style: chr19-11347465-G-A.
Other names: c.2160+4C>T (NM_001367830.1).
Identifiers: ClinVar variation 2415148 (VCV002415148.4), dbSNP rs1024702531, ClinGen allele CA305334596.
Genomic context (GRCh38, chr19:11,236,789, plus strand): 5'-CTCAATCGTAGGGCAGGCAAGAGGGGAGCAGGGCGGGACTCTTGGTTCCCGGCCCACCCC[G>A]TACCTGGGGGTGCACAGAGGACACGGCTGTGAGCTCCACACTGAACACGCCCTTGTGACC-3'